The following is an entry in ClinVar:

ClinVar aggregate classification (germline): Benign/Likely benign. Review status: criteria provided, multiple submitters, no conflicts (2 of 4 stars). 4 submissions from 4 submitters: Benign (3); Likely benign (1). Last evaluated 2025-10-01.

Conditions:
Monilethrix. Also called: Beaded hair. Identifiers: Orphanet 573, MedGen C0546966, MONDO:0008009, HP:0032470.
Erythrokeratodermia variabilis et progressiva 5. Identifiers: MedGen C4540331, MONDO:0033015, OMIM 617756.

Allele frequency attached by ClinVar (database versions not stated): 1000 Genomes Project 0.00020; 1000 Genomes Project 30x 0.00047; gnomAD 0.00147 and 0.00168; TOPMed 0.00151; ESP Exome Variant Server 0.00215.

Submissions (4):

Labcorp Genetics (formerly Invitae), Labcorp
Classification: Benign. Last evaluated: 2025-10-01. Review status: criteria provided, single submitter. Criteria: Invitae Variant Classification Sherloc (09022015). Collection method: clinical testing. Allele origin: germline.

Fulgent Genetics
Classification: Likely benign for Monilethrix-1; Erythrokeratodermia variabilis et progressiva 5. Last evaluated: 2022-04-28. Review status: criteria provided, single submitter. Criteria: ACMG Guidelines, 2015. Collection method: clinical testing. Allele origin: unknown.

Illumina Laboratory Services, Illumina
Classification: Benign for Monilethrix-1. Last evaluated: 2018-01-13. Review status: criteria provided, single submitter. Criteria: ICSL Variant Classification Criteria 13 December 2019. Collection method: clinical testing. Allele origin: germline.
Comment: This variant was observed in the ICSL laboratory as part of a predisposition screen in an ostensibly healthy population. It had not been previously curated by ICSL or reported in the Human Gene Mutation Database (HGMD: prior to June 1st, 2018), and was therefore a candidate for classification through an automated scoring system. Utilizing variant allele frequency, disease prevalence and penetrance estimates, and inheritance mode, an automated score was calculated to assess if this variant is too frequent to cause the disease. Based on the score and internal cut-off values, a variant classified as benign is not then subjected to further curation. The score for this variant resulted in a classification of benign for this disease.

Breakthrough Genomics
Classification: Benign. Review status: criteria provided, single submitter. Criteria: ACMG Guidelines, 2015. Collection method: not provided. Allele origin: germline. Inheritance: Autosomal recessive inheritance. Affected: yes.

NM_002282.3(KRT83):c.760A>G (p.Ile254Val)

Gene: KRT83 (keratin 83; minus strand). Cytogenetic location: 12q13.13.
Variant type: single nucleotide variant.
Coding change: c.760A>G on transcript NM_002282.3 (MANE Select); coding-DNA position 760, A replaced by G.
Protein change: p.Ile254Val; replaces isoleucine 254 with valine.
Molecular consequence: missense variant.
Genome position (GRCh38, 1-based): chr12:52,317,014, T>C on the plus strand (A>G on the coding strand, the complement: KRT83 is on the minus strand). VCF-style: chr12-52317014-T-C. GRCh37 (hg19) VCF-style: chr12-52710798-T-C.
Other names: short protein forms I254V.
Identifiers: ClinVar variation 309520 (VCV000309520.11), dbSNP rs150867374, ClinGen allele CA6577525.